The following is an entry in ClinVar:

ClinVar aggregate classification (germline): Uncertain significance. Review status: criteria provided, multiple submitters, no conflicts (2 of 4 stars). 2 submissions from 2 submitters: Uncertain significance (2). Last evaluated 2022-02-17.

Conditions:
Rafiq syndrome (RAFQS). Identifiers: Orphanet 88616, MedGen C3280127, MONDO:0013624, OMIM 614202.

Allele frequency attached by ClinVar (database versions not stated): ExAC below 0.00001; gnomAD 0.00001; gnomAD exomes 0.00002 and 0.00006; TOPMed 0.00002.
gnomAD v4.1: 32 of 1,553,750 alleles (0.0021%); highest among the groups gnomAD compares: South Asian, 0.013%; no homozygotes.

Submissions (2):

Labcorp Genetics (formerly Invitae), Labcorp
Classification: Uncertain significance for Rafiq syndrome. Last evaluated: 2022-02-17. Review status: criteria provided, single submitter. Criteria: Invitae Variant Classification Sherloc (09022015). Collection method: clinical testing. Allele origin: germline.
Comment: This sequence change affects codon 476 of the MAN1B1 mRNA. It is a 'silent' change, meaning that it does not change the encoded amino acid sequence of the MAN1B1 protein. This variant is present in population databases (rs751469511, gnomAD 0.02%). This variant has not been reported in the literature in individuals affected with MAN1B1-related conditions. ClinVar contains an entry for this variant (Variation ID: 1033808). Algorithms developed to predict the effect of sequence changes on RNA splicing suggest that this variant may create or strengthen a splice site. In summary, the available evidence is currently insufficient to determine the role of this variant in disease. Therefore, it has been classified as a Variant of Uncertain Significance.

Baylor Genetics
Classification: Uncertain significance for Rafiq syndrome. Last evaluated: 2018-04-10. Review status: criteria provided, single submitter. Criteria: ACMG Guidelines, 2015. Collection method: clinical testing. Allele origin: unknown. Affected: yes.
Comment: This variant was determined to be of uncertain significance according to ACMG Guidelines, 2015 [PMID:25741868].

NM_016219.5(MAN1B1):c.1428C>T (p.Gly476=)

Gene: MAN1B1 (mannosidase alpha class 1B member 1; plus strand). Cytogenetic location: 9q34.3.
Variant type: single nucleotide variant.
Coding change: c.1428C>T on transcript NM_016219.5 (MANE Select); coding-DNA position 1428, C replaced by T.
Protein change: p.Gly476=; no amino-acid change (glycine 476 retained).
Molecular consequence: synonymous variant. On other transcripts: non-coding transcript variant (2).
Genome position (GRCh38, 1-based): chr9:137,106,298, C>T. VCF-style: chr9-137106298-C-T. GRCh37 (hg19) VCF-style: chr9-140000750-C-T.
Identifiers: ClinVar variation 1033808 (VCV001033808.4), dbSNP rs751469511, ClinGen allele CA5359209.